The following is an entry in ClinVar:

NM_002907.4(RECQL):c.603G>T (p.Met201Ile)

Gene: RECQL (RecQ like helicase; minus strand). Cytogenetic location: 12p12.1.
Variant type: single nucleotide variant.
Coding change: c.603G>T on transcript NM_002907.4 (MANE Select); coding-DNA position 603, G replaced by T.
Protein change: p.Met201Ile; replaces methionine 201 with isoleucine.
Molecular consequence: missense variant.
Genome position (GRCh38, 1-based): chr12:21,483,473, C>A on the plus strand (G>T on the coding strand, the complement: RECQL is on the minus strand). VCF-style: chr12-21483473-C-A. GRCh37 (hg19) VCF-style: chr12-21636407-C-A.
Other names: c.603G>T, p.Met201Ile (NM_032941.3); short protein forms M201I.
Identifiers: ClinVar variation 1751237 (VCV001751237.3), dbSNP rs1943231164, ClinGen allele CA384127263.

ClinVar aggregate classification (germline): Uncertain significance (1 of 4 stars; one submission).

Submission:

Ambry Genetics
Classification: Uncertain significance. Last evaluated: 2023-02-09. Review status: criteria provided, single submitter. Criteria: Ambry Variant Classification Scheme 2023. Collection method: clinical testing. Allele origin: germline.
Comment: The p.M201I variant (also known as c.603G>T), located in coding exon 5 of the RECQL gene, results from a G to T substitution at nucleotide position 603. The methionine at codon 201 is replaced by isoleucine, an amino acid with highly similar properties. This amino acid position is highly conserved in available vertebrate species. In addition, the in silico prediction for this alteration is inconclusive. Since supporting evidence is limited at this time, the clinical significance of this alteration remains unclear.